The following is an entry in ClinVar:

NM_003982.4(SLC7A7):c.704C>T (p.Ala235Val)

Gene: SLC7A7 (solute carrier family 7 member 7; minus strand). Cytogenetic location: 14q11.2.
Variant type: single nucleotide variant.
Coding change: c.704C>T on transcript NM_003982.4 (MANE Select); coding-DNA position 704, C replaced by T.
Protein change: p.Ala235Val; replaces alanine 235 with valine.
Molecular consequence: missense variant.
Genome position (GRCh38, 1-based): chr14:22,778,859, G>A on the plus strand (C>T on the coding strand, the complement: SLC7A7 is on the minus strand). VCF-style: chr14-22778859-G-A. GRCh37 (hg19) VCF-style: chr14-23248068-G-A.
Other names: c.704C>T, p.Ala235Val (NM_001126105.3, NM_001126106.4); short protein forms A235V.
Identifiers: ClinVar variation 1470666 (VCV001470666.7), dbSNP rs755663586, ClinGen allele CA388924011.

ClinVar aggregate classification (germline): Uncertain significance. Review status: criteria provided, multiple submitters, no conflicts (2 of 4 stars). 2 submissions from 2 submitters: Uncertain significance (2). Last evaluated 2025-07-08.

Conditions:
Lysinuric protein intolerance (LPI). Identifiers: Orphanet 470, MedGen C0268647, MONDO:0009109, OMIM 222700.

Submissions (2):

Dasa
Classification: Uncertain significance. Last evaluated: 2025-07-08. Review status: criteria provided, single submitter. Criteria: DASA Assertion Criteria. Collection method: clinical testing. Allele origin: germline.
Comment: NM_003982.4(SLC7A7):c.704C>T (p.Ala235Val) is a missense variant that results in the substitution of alanine with valine. This variant is absent from population databases. Computational prediction algorithms are consistent with a deleterious effect. The currently available literature and clinical evidence are not sufficient to establish a definitive association between this variant and the reported condition. Therefore, this variant is classified as a variant of uncertain significance.

Labcorp Genetics (formerly Invitae), Labcorp
Classification: Uncertain significance for Lysinuric protein intolerance. Last evaluated: 2021-08-24. Review status: criteria provided, single submitter. Criteria: Invitae Variant Classification Sherloc (09022015). Collection method: clinical testing. Allele origin: germline.
Comment: This sequence change replaces alanine with valine at codon 235 of the SLC7A7 protein (p.Ala235Val). The alanine residue is moderately conserved and there is a small physicochemical difference between alanine and valine. This variant is not present in population databases (ExAC no frequency). This variant has not been reported in the literature in individuals affected with SLC7A7-related conditions. Algorithms developed to predict the effect of missense changes on protein structure and function are either unavailable or do not agree on the potential impact of this missense change (SIFT: "Deleterious"; PolyPhen-2: "Probably Damaging"; Align-GVGD: "Class C0"). In summary, the available evidence is currently insufficient to determine the role of this variant in disease. Therefore, it has been classified as a Variant of Uncertain Significance.